The following is an entry in ClinVar:

NM_000059.4(BRCA2):c.410_412del (p.Ser137del)

Gene: BRCA2 (BRCA2 DNA repair associated; plus strand). Cytogenetic location: 13q13.1.
Variant type: Deletion.
Coding change: c.410_412del on transcript NM_000059.4 (MANE Select); coding-DNA positions 410 to 412, 3 bases deleted (CTT; older notation c.410_412delCTT).
Protein change: p.Ser137del; deletes serine 137.
Molecular consequence: inframe deletion. On other transcripts: non-coding transcript variant (1).
Genome position (GRCh38, 1-based): chr13:32,325,169-32,325,171, CTT deleted; deleting any 3 consecutive bases within chr13:32,325,167-32,325,171 gives the same sequence; the c. name uses the placement nearest the transcript's 3' end. VCF-style (leftmost placement, unchanged base first): chr13-32325166-ATTC-A. GRCh37 (hg19) VCF-style: chr13-32899303-ATTC-A.
Other names: c.410_412del, p.Ser137del (NM_001406719.1, NM_001406720.1, NM_001406721.1); c.41_43del, p.Ser14del (NM_001406722.1); short protein forms S137del, S14del.
Identifiers: ClinVar variation 3075384 (VCV003075384.2), dbSNP rs2548514156, ClinGen allele CA2825002118.
Genomic context (GRCh38, chr13:32,325,166, plus strand): 5'-GTCTTCGCACAGTGAAAACTAAAATGGATCAAGCAGATGATGTTTCCTGTCCACTTCTAA[ATTC>A]TTGTCTTAGTGAAAGGTATGATGAAGCTATTATATTAAAATATTTAAATGAAACATTTTC-3'

ClinVar aggregate classification (germline): Uncertain significance. Review status: criteria provided, multiple submitters, no conflicts (2 of 4 stars). 2 submissions from 2 submitters: Uncertain significance (2). Last evaluated 2024-12-09.

Conditions:
Hereditary cancer-predisposing syndrome. Also called: Tumor predisposition; Hereditary Cancer Syndrome; Hereditary neoplastic syndrome; Neoplastic Syndromes, Hereditary. Identifiers: Orphanet 140162, MedGen C0027672, MeSH D009386, MONDO:0015356.
Breast-ovarian cancer, familial, susceptibility to, 2 (BROVCA2). Also called: BRCA2 Hereditary Breast and Ovarian Cancer. Identifiers: Orphanet 145, MedGen C2675520, MONDO:0012933, OMIM 612555. Disease mechanism: loss of function.

Submissions (2):

Ambry Genetics
Classification: Uncertain significance for Hereditary cancer-predisposing syndrome. Last evaluated: 2024-12-09. Review status: criteria provided, single submitter. Criteria: Ambry Variant Classification Scheme 2023. Collection method: clinical testing. Allele origin: germline.
Comment: The c.410_412delCTT variant (also known as p.S137del) is located in coding exon 3 of the BRCA2 gene. This variant results from an in-frame CTT deletion at nucleotide positions 410 to 412. This results in the in-frame deletion of a serine at codon 137. This amino acid position is not well conserved in available vertebrate species. In addition, the in silico prediction for this alteration is inconclusive (Choi Y et al. PLoS ONE. 2012; 7(10):e46688). Based on the available evidence, the clinical significance of this variant remains unclear.

All of Us Research Program, National Institutes of Health
Classification: Uncertain significance for Breast-ovarian cancer, familial, susceptibility to, 2. Last evaluated: 2024-01-11. Review status: criteria provided, single submitter. Criteria: ACMG Guidelines, 2015. Collection method: clinical testing. Allele origin: germline. Inheritance: Autosomal dominant inheritance. Observed: 1 variant allele, 1 heterozygote.
Comment: This study involves interpretation of variants in research participants for the purpose of population health screening. Participant phenotype was not available at the time of variant classification. Additional details can be found in publication PMID: 35346344, PMCID: PMC8962531